The following is an entry in ClinVar:

ClinVar aggregate classification (germline): Uncertain significance. Review status: criteria provided, multiple submitters, no conflicts (2 of 4 stars). 3 submissions from 3 submitters: Uncertain significance (3). Last evaluated 2025-01-01.

Conditions:
Inborn genetic diseases. Identifiers: MedGen C0950123, MeSH D030342.
Coffin-Siris syndrome 1 (CSS1). Also called: ARID1B-Related Coffin-Siris Syndrome; Mental retardation, autosomal dominant 12. Identifiers: Orphanet 1465, MedGen C3281201, MONDO:0007617, OMIM 135900. Disease mechanism: gain of function.

Allele frequency attached by ClinVar (database versions not stated): gnomAD exomes below 0.00001 and 0.00001; gnomAD 0.00002; TOPMed 0.00002.
gnomAD v4.1: 12 of 1,613,938 alleles (0.00074%); highest among the groups gnomAD compares: Admixed American, 0.0033%; no homozygotes.

Submissions (3):

Ambry Genetics
Classification: Uncertain significance for Inborn genetic diseases. Last evaluated: 2025-01-01. Review status: criteria provided, single submitter. Criteria: Ambry Variant Classification Scheme 2023. Collection method: clinical testing. Allele origin: germline.

Labcorp Genetics (formerly Invitae), Labcorp
Classification: Uncertain significance. Last evaluated: 2022-08-06. Review status: criteria provided, single submitter. Criteria: Invitae Variant Classification Sherloc (09022015). Collection method: clinical testing. Allele origin: germline.
Comment: This sequence change replaces serine, which is neutral and polar, with asparagine, which is neutral and polar, at codon 834 of the ARID1B protein (p.Ser834Asn). This variant is present in population databases (no rsID available, gnomAD 0.003%). In summary, the available evidence is currently insufficient to determine the role of this variant in disease. Therefore, it has been classified as a Variant of Uncertain Significance. Algorithms developed to predict the effect of missense changes on protein structure and function (SIFT, PolyPhen-2, Align-GVGD) all suggest that this variant is likely to be tolerated. ClinVar contains an entry for this variant (Variation ID: 982767). This variant has not been reported in the literature in individuals affected with ARID1B-related conditions.

Institute of Human Genetics, University of Leipzig Medical Center
Classification: Uncertain significance for Coffin-Siris syndrome 1. Last evaluated: 2019-01-01. Review status: criteria provided, single submitter. Criteria: ACMG Guidelines, 2015. Collection method: clinical testing. Allele origin: unknown. Affected: yes.

NM_001374828.1(ARID1B):c.2711G>A (p.Ser904Asn)

Gene: ARID1B (AT-rich interaction domain 1B; plus strand). Cytogenetic location: 6q25.3.
Variant type: single nucleotide variant.
Coding change: c.2711G>A on transcript NM_001374828.1 (MANE Select); coding-DNA position 2711, G replaced by A.
Protein change: p.Ser904Asn; replaces serine 904 with asparagine.
Molecular consequence: missense variant.
Genome position (GRCh38, 1-based): chr6:157,133,157, G>A. VCF-style: chr6-157133157-G-A. GRCh37 (hg19) VCF-style: chr6-157454291-G-A.
Other names: c.212G>A, p.Ser71Asn (NM_001363725.2); c.2750G>A, p.Ser917Asn (NM_001371656.1, NM_001374820.1); c.2711G>A, p.Ser904Asn (NM_017519.3); c.2501G>A (NM_020732.3); short protein forms S71N, S904N, S917N.
Identifiers: ClinVar variation 982767 (VCV000982767.6), dbSNP rs1159561275, ClinGen allele CA366388478.
Genomic context (GRCh38, chr6:157,133,157, plus strand): 5'-TGTCGCCTCATCCTTCTCCTGGGGGCCAGATGCATGCTGGAATCAGTAGCTTTCAGCAGA[G>A]TAACTCAAGTGGGACTTACGGTCCACAGATGAGCCAGTATGGACCACAAGGTAAAACCAA-3'
Protein context (NP_001361757.1, residues 894-914): MHAGISSFQQ[Ser904Asn]NSSGTYGPQM